The following is an entry in ClinVar:

NM_000551.4(VHL):c.340+665G>C

Genes: VHL (von Hippel-Lindau tumor suppressor; plus strand), LOC107303340 (3p25 von Hippel-Lindau tumor suppressor, E3 ubiquitin protein ligase Alu-mediated recombination region; plus strand). Cytogenetic location: 3p25.3.
Variant type: single nucleotide variant.
Coding change: c.340+665G>C on transcript NM_000551.4 (MANE Select); 665 bases into the intron after coding-DNA position 340, G replaced by C.
Molecular consequence: intron variant. On other transcripts: missense variant (1).
Genome position (GRCh38, 1-based): chr3:10,142,852, G>C. VCF-style: chr3-10142852-G-C. GRCh37 (hg19) VCF-style: chr3-10184536-G-C.
Other names: c.430G>C, p.Gly144Arg (NM_001354723.2); c.340+665G>C (NM_198156.3); c.430G>C (NM_001354723.1); short protein forms G144R.
Identifiers: ClinVar variation 998502 (VCV000998502.10), dbSNP rs1696160266, ClinGen allele CA1345067277.
Genomic context (GRCh38, chr3:10,142,852, plus strand): 5'-GTAGTCCCTGCCCTCGTGGAGAACACATTCCTCCTGGGGAGACTGACAGATGCAAAGACA[G>C]GAACAAGCCAGGGTCATGTTGGCGCCGGAAGAGCCGACCGTGTGTGGCGTGGGAAATTGA-3'

ClinVar aggregate classification (germline): Uncertain significance. Review status: criteria provided, multiple submitters, no conflicts (2 of 4 stars). 2 submissions from 2 submitters: Uncertain significance (2). Last evaluated 2024-11-22.

Conditions:
VHL-related disorder. Also called: VHL-related condition.
Von Hippel-Lindau syndrome (VHLS). Also called: von Hippel–Lindau syndrome; Von Hippel-Lindau; VHL syndrome. Identifiers: Orphanet 892, MedGen C0019562, MONDO:0008667, OMIM 193300. Disease mechanism: loss of function.
Chuvash polycythemia. Also called: POLYCYTHEMIA, VHL-DEPENDENT. Identifiers: Orphanet 238557, MedGen C1837915, MONDO:0009892, OMIM 263400.

Submissions (2):

PreventionGenetics, part of Exact Sciences
Classification: Uncertain significance for VHL-related condition. Last evaluated: 2024-11-22. Review status: criteria provided, single submitter. Criteria: ACMG Guidelines, 2015. Collection method: clinical testing. Allele origin: germline.
Comment: The VHL c.430G>C variant is predicted to result in the amino acid substitution p.Gly144Arg. To our knowledge, this variant has not been reported in the literature or in a large population database (gnomAD), indicating this variant is rare. This change is also known as an intronic variant c.340+665G>C on the widely used transcript NM_000551. At this time, the clinical significance of this variant is uncertain due to the absence of conclusive functional and genetic evidence.

Labcorp Genetics (formerly Invitae), Labcorp
Classification: Uncertain significance for Von Hippel-Lindau syndrome; Chuvash polycythemia. Last evaluated: 2024-05-01. Review status: criteria provided, single submitter. Criteria: Invitae Variant Classification Sherloc (09022015). Collection method: clinical testing. Allele origin: germline.
Comment: This sequence change falls in intron 1 of the VHL gene. It is not expected to change the encoded amino acid sequence of the VHL protein. However, this sequence change falls within a cryptic exon in the VHL gene, known as exon E1’, which is naturally expressed at low levels in several human tissues (PMID: 29891534). This variant is not present in population databases (gnomAD no frequency). This variant has not been reported in the literature in individuals affected with VHL-related conditions. ClinVar contains an entry for this variant (Variation ID: 998502). Algorithms developed to predict the effect of sequence changes on RNA splicing suggest that this variant is not likely to affect RNA splicing. In summary, the available evidence is currently insufficient to determine the role of this variant in disease. Therefore, it has been classified as a Variant of Uncertain Significance.

Literature cited by the submitters: PubMed 29891534 (cited by Labcorp Genetics (formerly Invitae), Labcorp).